The following is an entry in ClinVar:

NM_014336.5(AIPL1):c.352G>A (p.Val118Met)

Gene: AIPL1 (AIP like 1 HSP90 co-chaperone; minus strand). Cytogenetic location: 17p13.2.
Variant type: single nucleotide variant.
Coding change: c.352G>A on transcript NM_014336.5 (MANE Select); coding-DNA position 352, G replaced by A.
Protein change: p.Val118Met; replaces valine 118 with methionine.
Molecular consequence: missense variant. On other transcripts: intron variant (1).
Genome position (GRCh38, 1-based): chr17:6,428,431, C>T on the plus strand (G>A on the coding strand, the complement: AIPL1 is on the minus strand). VCF-style: chr17-6428431-C-T. GRCh37 (hg19) VCF-style: chr17-6331751-C-T.
Other names: NM_014336.5(AIPL1):c.352G>A; p.Val118Met; c.172G>A, p.Val58Met (NM_001033055.3); c.316G>A, p.Val106Met (NM_001285399.3); c.286G>A, p.Val96Met (NM_001285400.3); c.352G>A, p.Val118Met (NM_001285401.3, NM_001285403.4); c.235G>A, p.Val79Met (NM_001285402.2); c.277-1374G>A (NM_001033054.3); and 1 more; short protein forms V58M, V106M, V96M, V118M, V79M.
Identifiers: ClinVar variation 1400984 (VCV001400984.8), dbSNP rs1194123629, ClinGen allele CA397396413.
Genomic context (GRCh38, chr17:6,428,431, plus strand): 5'-CCAGGTCCTCGTAGCCCAGCGTGTGGTAGGCGAACATGTTGGCCAGCCCGCACGTGTGCA[C>T]GTGCCACTCTGTGGGGTCCTTGCCCTGGGCCATCTGCCTCAGGCTCCGGGATAGGATGGG-3'
Protein context (NP_055151.3, residues 108-128): AQGKDPTEWH[Val118Met]HTCGLANMFA

ClinVar aggregate classification (germline): Uncertain significance. Review status: reviewed by expert panel (3 of 4 stars). 5 submissions from 5 submitters: Uncertain significance (1). 4 of the submissions do not count toward it. Last evaluated 2025-09-29.

Conditions:
AIPL1-related retinopathy. Also called: AIPL1 retinopathy. Identifiers: MedGen CN305590, MONDO:0100438.
Leber congenital amaurosis 4 (LCA4). Identifiers: MedGen C1858386, MONDO:0011458, OMIM 604393.
Inborn genetic diseases. Identifiers: MedGen C0950123, MeSH D030342.

Allele frequency attached by ClinVar (database versions not stated): gnomAD 0.00001; gnomAD exomes 0.00001; TOPMed 0.00001.
gnomAD v4.1: 14 of 1,613,666 alleles (0.00087%); highest among the groups gnomAD compares: Middle Eastern, 0.016%; no homozygotes.

Submissions (5):

ClinGen Leber Congenital Amaurosis/early Onset Retinal Dystrophy Variant Curation Expert Panel, ClinGen
Classification: Uncertain significance for AIPL1-related retinopathy. Last evaluated: 2025-09-29. Review status: reviewed by expert panel. Criteria: ClinGen LCAeoRD ACMG Specifications AIPL1 V1.0.0. Collection method: curation. Allele origin: germline. Inheritance: Autosomal recessive inheritance.
Comment: NM_014336.5(AIPL1):c.352G>A (p.Val118Met) is a missense variant replacing the valine at position p.118 with methionine. This variant is present in gnomAD v.4.1.0 at a total allele frequency of 0.0000086, with 14 alleles / 1613666 total alleles, which is lower than the ClinGen LCA/eoRD VCEP PM2_Supporting threshold of <0.0004 (PM2_Supporting). The computational predictor REVEL gives a score of 0.356, which is above the ClinGen LCA/eoRD VCEP threshold of <0.290 for BP4 and below the threshold of ≥0.644 for PP3 so neither code is applicable. No published probands harboring the variant have been identified. In summary, this variant meets the criteria to be classified as a VUS for AIPL1-related retinopathy based on the ACMG/AMP criteria applied, as specified by the ClinGen LCA/eoRD VCEP: PM2_Supporting. (VCEP specifications version 1.0.0; date of approval 09/24/2025).

Revvity Omics, Revvity
Classification: Uncertain significance for Leber congenital amaurosis 4. Last evaluated: 2025-06-13. Review status: criteria provided, single submitter. Criteria: ACMG Guidelines, 2015. Collection method: clinical testing. Allele origin: germline. Not counted in ClinVar's aggregate classification.

Ambry Genetics
Classification: Uncertain significance for Inborn genetic diseases. Last evaluated: 2024-06-28. Review status: criteria provided, single submitter. Criteria: Ambry Variant Classification Scheme 2023. Collection method: clinical testing. Allele origin: germline. Not counted in ClinVar's aggregate classification.

Labcorp Genetics (formerly Invitae), Labcorp
Classification: Uncertain significance for Leber congenital amaurosis 4. Last evaluated: 2022-01-12. Review status: criteria provided, single submitter. Criteria: Invitae Variant Classification Sherloc (09022015). Collection method: clinical testing. Allele origin: germline. Not counted in ClinVar's aggregate classification.
Comment: This variant has not been reported in the literature in individuals affected with AIPL1-related conditions. In summary, the available evidence is currently insufficient to determine the role of this variant in disease. Therefore, it has been classified as a Variant of Uncertain Significance. Algorithms developed to predict the effect of missense changes on protein structure and function (SIFT, PolyPhen-2, Align-GVGD) all suggest that this variant is likely to be tolerated. This variant is present in population databases (no rsID available, gnomAD 0.003%). This sequence change replaces valine, which is neutral and non-polar, with methionine, which is neutral and non-polar, at codon 118 of the AIPL1 protein (p.Val118Met).

Blueprint Genetics
Classification: Uncertain significance. Last evaluated: 2018-07-06. Review status: criteria provided, single submitter. Criteria: ACMG Guidelines, 2015. Collection method: clinical testing. Allele origin: germline. Not counted in ClinVar's aggregate classification.